The following is an entry in ClinVar:

ClinVar aggregate classification (germline): Uncertain significance (1 of 4 stars; one submission).

Submission:

Mayo Clinic Laboratories, Mayo Clinic
Classification: Uncertain significance. Last evaluated: 2025-11-02. Review status: criteria provided, single submitter. Criteria: ACMG Guidelines, 2015. Collection method: clinical testing. Allele origin: germline. Observed: 1 variant allele.
Comment: PP3_moderate, PM2_supporting

NM_013247.5(HTRA2):c.593A>G (p.His198Arg)

Genes: HTRA2 (HtrA serine peptidase 2; plus strand), LOC129934141 (ATAC-STARR-seq lymphoblastoid active region 16073; plus strand). Cytogenetic location: 2p13.1.
Variant type: single nucleotide variant.
Coding change: c.593A>G on transcript NM_013247.5 (MANE Select); coding-DNA position 593, A replaced by G.
Protein change: p.His198Arg; replaces histidine 198 with arginine.
Molecular consequence: missense variant. On other transcripts: non-coding transcript variant (4).
Genome position (GRCh38, 1-based): chr2:74,530,703, A>G. VCF-style: chr2-74530703-A-G. GRCh37 (hg19) VCF-style: chr2-74757830-A-G.
Other names: p.His198Arg; c.593A>G, p.His198Arg (NM_001321728.1, NM_145074.2, NM_001321727.1); short protein forms H198R.
Identifiers: ClinVar variation 4540655 (VCV004540655.1).